The following is an entry in ClinVar:

NM_000368.5(TSC1):c.2299C>G (p.Gln767Glu)

Gene: TSC1 (TSC complex subunit 1; minus strand). Cytogenetic location: 9q34.13.
Variant type: single nucleotide variant.
Coding change: c.2299C>G on transcript NM_000368.5 (MANE Select); coding-DNA position 2299, C replaced by G.
Protein change: p.Gln767Glu; replaces glutamine 767 with glutamic acid.
Molecular consequence: missense variant.
Genome position (GRCh38, 1-based): chr9:132,902,697, G>C on the plus strand (C>G on the coding strand, the complement: TSC1 is on the minus strand). VCF-style: chr9-132902697-G-C. GRCh37 (hg19) VCF-style: chr9-135778084-G-C.
Other names: c.2296C>G, p.Gln766Glu (NM_001162426.2); c.2146C>G, p.Gln716Glu (NM_001162427.2); c.1936C>G, p.Gln646Glu (NM_001362177.2); short protein forms Q767E, Q716E, Q646E, Q766E.
Identifiers: ClinVar variation 572233 (VCV000572233.12), dbSNP rs118203675, ClinGen allele CA375359665.
Genomic context (GRCh38, chr9:132,902,697, plus strand): 5'-CTCGGTCATGCTGCAGCTGTCTGATCTGGCTGTGGAGCTTGGTTACCATAGTGTCACGCT[G>C]CTCCTGGAGCTGATTGTATCTAGCTTGTTCTTTCTGCAGACTAACCTTCCACATCTGGAT-3'
Protein context (NP_000359.1, residues 757-777): EQARYNQLQE[Gln767Glu]RDTMVTKLHS

ClinVar aggregate classification (germline): Conflicting classifications of pathogenicity. Review status: criteria provided, conflicting classifications (1 of 4 stars). 3 submissions from 3 submitters: Uncertain significance (2); Likely benign (1). Last evaluated 2023-12-04.

Conditions:
Tuberous sclerosis 1 (TSC1). Identifiers: Orphanet 805, MedGen C1854465, MONDO:0008612, OMIM 191100.
Hereditary cancer-predisposing syndrome. Also called: Hereditary neoplastic syndrome; Neoplastic Syndromes, Hereditary; Hereditary Cancer Syndrome; Tumor predisposition. Identifiers: Orphanet 140162, MedGen C0027672, MeSH D009386, MONDO:0015356.
Isolated focal cortical dysplasia type II (FCORD2). Also called: Focal cortical dysplasia type II; CORTICAL DYSPLASIA OF TAYLOR. Identifiers: Orphanet 268994, MedGen C1846385, MONDO:0011818, OMIM 607341, HP:0032051.

Submissions (3):

Ambry Genetics
Classification: Likely benign for Hereditary cancer-predisposing syndrome. Last evaluated: 2023-12-04. Review status: criteria provided, single submitter. Criteria: Ambry Variant Classification Scheme 2023. Collection method: clinical testing. Allele origin: germline.

Baylor Genetics
Classification: Uncertain significance for Isolated focal cortical dysplasia type II. Last evaluated: 2023-09-04. Review status: criteria provided, single submitter. Criteria: ACMG Guidelines, 2015. Collection method: clinical testing. Allele origin: unknown.

Labcorp Genetics (formerly Invitae), Labcorp
Classification: Uncertain significance for Tuberous sclerosis 1. Last evaluated: 2021-12-11. Review status: criteria provided, single submitter. Criteria: Invitae Variant Classification Sherloc (09022015). Collection method: clinical testing. Allele origin: germline.
Comment: This sequence change replaces glutamine, which is neutral and polar, with glutamic acid, which is acidic and polar, at codon 767 of the TSC1 protein (p.Gln767Glu). This variant is not present in population databases (gnomAD no frequency). This variant has not been reported in the literature in individuals affected with TSC1-related conditions. ClinVar contains an entry for this variant (Variation ID: 572233). Algorithms developed to predict the effect of missense changes on protein structure and function output the following: SIFT: "Tolerated"; PolyPhen-2: "Benign"; Align-GVGD: "Class C0". The glutamic acid amino acid residue is found in multiple mammalian species, which suggests that this missense change does not adversely affect protein function. In summary, the available evidence is currently insufficient to determine the role of this variant in disease. Therefore, it has been classified as a Variant of Uncertain Significance.